The following is an entry in ClinVar:

ClinVar aggregate classification (germline): Benign. Review status: criteria provided, multiple submitters, no conflicts (2 of 4 stars). 2 submissions from 2 submitters: Benign (2). Last evaluated 2026-01-13.

Allele frequency attached by ClinVar (database versions not stated): gnomAD 0.00048 and 0.00001; gnomAD exomes 0.00063 and 0.00123; 1000 Genomes Project 30x 0.00375; 1000 Genomes Project 0.00379; ExAC 0.00149; TOPMed 0.00007.
gnomAD v4.1: 993 of 1,614,080 alleles (0.062%); highest among the groups gnomAD compares: South Asian, 1%; 15 homozygotes.

Submissions (2):

Labcorp Genetics (formerly Invitae), Labcorp
Classification: Benign. Last evaluated: 2026-01-13. Review status: criteria provided, single submitter. Criteria: Invitae Variant Classification Sherloc (09022015). Collection method: clinical testing. Allele origin: germline.

CeGaT Center for Human Genetics Tuebingen
Classification: Benign. Last evaluated: 2022-09-01. Review status: criteria provided, single submitter. Criteria: CeGaT Center For Human Genetics Tuebingen Variant Classification Criteria Version 2. Collection method: clinical testing. Allele origin: germline. Affected: yes. Observed: 1 variant allele.
Comment: C8B: BP4, BS1, BS2

NM_000066.4(C8B):c.352A>T (p.Ser118Cys)

Gene: C8B (complement C8 beta chain; minus strand). Cytogenetic location: 1p32.2.
Variant type: single nucleotide variant.
Coding change: c.352A>T on transcript NM_000066.4 (MANE Select); coding-DNA position 352, A replaced by T.
Protein change: p.Ser118Cys; replaces serine 118 with cysteine.
Molecular consequence: missense variant.
Genome position (GRCh38, 1-based): chr1:56,956,808, T>A on the plus strand (A>T on the coding strand, the complement: C8B is on the minus strand). VCF-style: chr1-56956808-T-A. GRCh37 (hg19) VCF-style: chr1-57422481-T-A.
Other names: c.196A>T, p.Ser66Cys (NM_001278543.2); c.166A>T, p.Ser56Cys (NM_001278544.2); short protein forms S118C, S56C, S66C.
Identifiers: ClinVar variation 1164576 (VCV001164576.32), dbSNP rs199745832, ClinGen allele CA876021.